The following is an entry in ClinVar:

ClinVar aggregate classification (germline): Uncertain significance (1 of 4 stars; one submission).

Submission:

GeneDx
Classification: Uncertain significance. Last evaluated: 2025-07-22. Review status: criteria provided, single submitter. Criteria: GeneDx Variant Classification Process June 2021. Collection method: clinical testing. Allele origin: germline. Affected: yes.
Comment: Not observed at significant frequency in large population cohorts (gnomAD); In silico analysis supports that this missense variant has a deleterious effect on protein structure/function; Has not been previously published as pathogenic or benign to our knowledge

NM_015057.5(MYCBP2):c.1033A>T (p.Ile345Phe)

Gene: MYCBP2 (MYC binding protein 2; minus strand). Cytogenetic location: 13q22.3.
Variant type: single nucleotide variant.
Coding change: c.1033A>T on transcript NM_015057.5 (MANE Select); coding-DNA position 1033, A replaced by T.
Protein change: p.Ile345Phe; replaces isoleucine 345 with phenylalanine.
Molecular consequence: missense variant.
Genome position (GRCh38, 1-based): chr13:77,270,451, T>A on the plus strand (A>T on the coding strand, the complement: MYCBP2 is on the minus strand). VCF-style: chr13-77270451-T-A. GRCh37 (hg19) VCF-style: chr13-77844586-T-A.
Other names: short protein forms I345F.
Identifiers: ClinVar variation 4686814 (VCV004686814.1).